The following is an entry in ClinVar:

ClinVar aggregate classification (germline): Likely pathogenic (1 of 4 stars; one submission).

Submission:

GeneDx
Classification: Likely pathogenic. Last evaluated: 2017-02-10. Review status: criteria provided, single submitter. Criteria: GeneDx Variant Classification (06012015). Collection method: clinical testing. Allele origin: germline. Affected: yes.
Comment: The L700P variant in the MYH3 gene has not been reported previously as a pathogenic variant, noras a benign variant, to our knowledge. The L700P variant is not observed at a significant frequency inlarge population cohorts (Lek et al., 2016; 1000 Genomes Consortium et al., 2015; Exome VariantServer). The L700P variant is a semi-conservative amino acid substitution, which may impactsecondary protein structure as these residues differ in some properties. This substitution occurs at aposition that is conserved across species, and in silico analysis is inconsistent in its predictions as towhether or not the variant is damaging to the protein structure/function. The L700P variant is astrong candidate for a pathogenic variant.

NM_002470.4(MYH3):c.2099T>C (p.Leu700Pro)

Gene: MYH3 (myosin heavy chain 3; minus strand). Cytogenetic location: 17p13.1.
Variant type: single nucleotide variant.
Coding change: c.2099T>C on transcript NM_002470.4 (MANE Select); coding-DNA position 2099, T replaced by C.
Protein change: p.Leu700Pro; replaces leucine 700 with proline.
Molecular consequence: missense variant.
Genome position (GRCh38, 1-based): chr17:10,641,151, A>G on the plus strand (T>C on the coding strand, the complement: MYH3 is on the minus strand). VCF-style: chr17-10641151-A-G. GRCh37 (hg19) VCF-style: chr17-10544468-A-G.
Other names: short protein forms L700P.
Identifiers: ClinVar variation 423544 (VCV000423544.2), dbSNP rs1064796483, ClinGen allele CA16620328.